The following is an entry in ClinVar:

ClinVar aggregate classification (germline): Pathogenic. Review status: criteria provided, multiple submitters, no conflicts (2 of 4 stars). 3 submissions from 3 submitters: Pathogenic (3). Last evaluated 2023-05-10.
ClinVar aggregate classification (oncogenicity): Likely oncogenic (1 of 4 stars; one submission).

Conditions:
Hereditary cancer-predisposing syndrome. Also called: Tumor predisposition; Hereditary Cancer Syndrome; Hereditary neoplastic syndrome; Neoplastic Syndromes, Hereditary. Identifiers: Orphanet 140162, MedGen C0027672, MeSH D009386, MONDO:0015356.
Familial adenomatous polyposis 1 (FAP1). Also called: FAMILIAL ADENOMATOUS POLYPOSIS 1, ATTENUATED; POLYPOSIS, ADENOMATOUS INTESTINAL. Identifiers: MedGen C2713442, MONDO:0021056, OMIM 175100. Disease mechanism: loss of function.
Neoplasm. Also called: Neoplasms; Neoplasm (disease); tumor. Identifiers: MedGen C0027651, MeSH D009369, MONDO:0005070, HP:0002664.

Submissions (4):

Center for Genomic Medicine, Rigshospitalet, Copenhagen University Hospital
Classification: Likely oncogenic for Neoplasm. Last evaluated: 2025-12-29. Review status: criteria provided, single submitter. Criteria: ClinGen/CGC/VICC Guidelines for Oncogenicity, 2022. Collection method: clinical testing. Allele origin: somatic. Affected: yes.

Myriad Genetics, Inc.
Classification: Pathogenic for Familial adenomatous polyposis 1. Last evaluated: 2023-05-10. Review status: criteria provided, single submitter. Criteria: Myriad Autosomal Dominant, Autosomal Recessive and X-Linked Classification Criteria (2023). Collection method: clinical testing. Allele origin: unknown.
Comment: This variant is considered pathogenic. This variant creates a termination codon and is predicted to result in premature protein truncation.

GeneDx
Classification: Pathogenic. Last evaluated: 2021-01-22. Review status: criteria provided, single submitter. Criteria: GeneDx Variant Classification Process June 2021. Collection method: clinical testing. Allele origin: germline. Affected: yes.
Comment: Nonsense variant predicted to result in protein truncation in a gene for which loss-of-function is a known mechanism of disease; Not observed in large population cohorts (Lek 2016); This variant is associated with the following publications: (PMID: 20196079, 31735170, 12393807, 16461775, 26446593, 28179590, 12552557, 27146902)

Ambry Genetics
Classification: Pathogenic for Hereditary cancer-predisposing syndrome. Last evaluated: 2017-05-17. Review status: criteria provided, single submitter. Criteria: Ambry Variant Classification Scheme 2023. Collection method: clinical testing. Allele origin: germline.
Comment: The p.S1356* pathogenic mutation (also known as c.4067C>G), located in coding exon 15 of the APC gene, results from a C to G substitution at nucleotide position 4067. This changes the amino acid from a serine to a stop codon within coding exon 15. In addition to the information presented in the literature, this alteration is expected to result in loss of function by premature protein truncation or nonsense-mediated mRNA decay. As such, this alteration is interpreted as a disease-causing mutation.

Literature cited by the submitters: PubMed 34352208 (cited by Center for Genomic Medicine, Rigshospitalet, Copenhagen University Hospital).

NM_000038.6(APC):c.4067C>G (p.Ser1356Ter)

Gene: APC (APC regulator of Wnt signaling pathway; plus strand). Cytogenetic location: 5q22.2.
Variant type: single nucleotide variant.
Coding change: c.4067C>G on transcript NM_000038.6 (MANE Select); coding-DNA position 4067, C replaced by G.
Protein change: p.Ser1356Ter; replaces serine 1356 with a stop codon.
Molecular consequence: nonsense.
Genome position (GRCh38, 1-based): chr5:112,839,661, C>G. VCF-style: chr5-112839661-C-G. GRCh37 (hg19) VCF-style: chr5-112175358-C-G.
Other names: c.4067C>G, p.Ser1356Ter (NM_001127510.3, NM_001354895.2); c.4013C>G, p.Ser1338Ter (NM_001127511.3); c.4121C>G, p.Ser1374Ter (NM_001354896.2); c.4097C>G, p.Ser1366Ter (NM_001354897.2); c.3992C>G, p.Ser1331Ter (NM_001354898.2); c.3983C>G, p.Ser1328Ter (NM_001354899.2); c.3944C>G, p.Ser1315Ter (NM_001354900.2); c.3890C>G, p.Ser1297Ter (NM_001354901.2); and 5 more; short protein forms S1356*, S1338*, S1265*, S1374*, S1331*, S1196*, S1255*, S1297*.
Identifiers: ClinVar variation 486783 (VCV000486783.10), dbSNP rs1554085480, ClinGen allele CA16030245.
Genomic context (GRCh38, chr5:112,839,661, plus strand): 5'-GACTGCAGGGTTCTAGTTTATCTTCAGAATCAGCCAGGCACAAAGCTGTTGAATTTTCTT[C>G]AGGAGCGAAATCTCCCTCCAAAAGTGGTGCTCAGACACCCAAAAGTCCACCTGAACACTA-3'